The following is an entry in ClinVar:

NM_000238.4(KCNH2):c.3003G>C (p.Trp1001Cys)

Gene: KCNH2 (potassium voltage-gated channel subfamily H member 2; minus strand). Cytogenetic location: 7q36.1.
Variant type: single nucleotide variant.
Coding change: c.3003G>C on transcript NM_000238.4 (MANE Select); coding-DNA position 3003, G replaced by C.
Protein change: p.Trp1001Cys; replaces tryptophan 1001 with cysteine.
Molecular consequence: missense variant.
Genome position (GRCh38, 1-based): chr7:150,947,477, C>G on the plus strand (G>C on the coding strand, the complement: KCNH2 is on the minus strand). VCF-style: chr7-150947477-C-G. GRCh37 (hg19) VCF-style: chr7-150644565-C-G.
Other names: c.1983G>C, p.Trp661Cys (NM_172057.3); short protein forms W1001C, W661C.
Identifiers: ClinVar variation 857986 (VCV000857986.8), dbSNP rs121912509, ClinGen allele CA369852941.

ClinVar aggregate classification (germline): Uncertain significance (1 of 4 stars; one submission).

Conditions:
Long QT syndrome (LQTS). Identifiers: MedGen C0023976, MeSH D008133, MONDO:0002442. Disease mechanism: loss of function. Inheritance: Various modes of inheritance.

Allele frequency attached by ClinVar (database versions not stated): gnomAD exomes 0.00001; TOPMed 0.00001.
gnomAD v4.1: 5 of 1,579,916 alleles (0.00032%); highest among the groups gnomAD compares: South Asian, 0.0012%; no homozygotes.

Submission:

Labcorp Genetics (formerly Invitae), Labcorp
Classification: Uncertain significance for Long QT syndrome. Last evaluated: 2019-12-27. Review status: criteria provided, single submitter. Criteria: Invitae Variant Classification Sherloc (09022015). Collection method: clinical testing. Allele origin: germline.
Comment: In summary, the available evidence is currently insufficient to determine the role of this variant in disease. Therefore, it has been classified as a Variant of Uncertain Significance. Algorithms developed to predict the effect of missense changes on protein structure and function are either unavailable or do not agree on the potential impact of this missense change (SIFT: "Deleterious"; PolyPhen-2: "Probably Damaging"; Align-GVGD: "Class C0"). This variant has not been reported in the literature in individuals with KCNH2-related conditions. This variant is not present in population databases (ExAC no frequency). This sequence change replaces tryptophan with cysteine at codon 1001 of the KCNH2 protein (p.Trp1001Cys). The tryptophan residue is moderately conserved and there is a large physicochemical difference between tryptophan and cysteine.